The following is an entry in ClinVar:

ClinVar aggregate classification (germline): Likely pathogenic. Review status: criteria provided, single submitter (1 of 4 stars). 2 submissions from 1 submitter: Likely pathogenic (1). 1 of the submissions does not count toward it. Last evaluated 2019-07-12.

Conditions:
Retinitis pigmentosa 3. Also called: CHOROIDORETINAL DEGENERATION WITH RETINAL REFLEX IN HETEROZYGOUS WOMEN. Identifiers: Orphanet 791, MedGen C1845667, MONDO:0010227, OMIM 300029.
Retinal dystrophy. Also called: Inherited retinal dystrophy. Identifiers: Orphanet 71862, MedGen C0854723, MeSH D058499, MONDO:0019118, HP:0000556.

Submissions (2):

Blueprint Genetics
Classification: Likely pathogenic for Retinal dystrophy. Last evaluated: 2019-07-12. Review status: criteria provided, single submitter. Criteria: Blueprint Genetics Variant Classification Scheme. Collection method: clinical testing. Allele origin: germline. Affected: yes.

Blueprint Genetics
Classification: Pathogenic for Retinitis pigmentosa 3. Review status: no assertion criteria provided. Collection method: clinical testing. Allele origin: germline. Affected: yes. Not counted in ClinVar's aggregate classification.

NM_001034853.2(RPGR):c.2937_2953del (p.Glu980fs)

Gene: RPGR (retinitis pigmentosa GTPase regulator; minus strand). Cytogenetic location: Xp11.4.
Variant type: Deletion.
Coding change: c.2937_2953del on transcript NM_001034853.2 (MANE Select); coding-DNA positions 2937 to 2953, 17 bases deleted (GGAGGGGGAAGAGGAGG).
Protein change: p.Glu980fs; shifts the reading frame from glutamic acid 980.
Molecular consequence: frameshift variant. On other transcripts: intron variant (8).
Genome position (GRCh38, 1-based): chrX:38,286,046-38,286,062, CCTCCTCTTCCCCCTCC deleted on the plus strand (GGAGGGGGAAGAGGAGG on the coding strand, the reverse complement: RPGR is on the minus strand); deleting any 17 consecutive bases within chrX:38,286,046-38,286,065 gives the same sequence; the c. name uses the placement nearest the transcript's 3' end. VCF-style (leftmost placement, unchanged base first): chrX-38286045-TCCTCCTCTTCCCCCTCC-T. GRCh37 (hg19) VCF-style: chrX-38145298-TCCTCCTCTTCCCCCTCC-T.
Other names: c.1569+4897_1569+4913del (NM_001367249.1, NM_001367250.1); c.1902+1032_1902+1048del (NM_001367245.1); c.1386+4897_1386+4913del (NM_001367251.1); c.1719+1032_1719+1048del (NM_001367246.1); c.1572+4897_1572+4913del (NM_001367247.1); c.1905+1032_1905+1048del (NM_000328.3); c.1602+4897_1602+4913del (NM_001367248.1); short protein forms E980fs.
Identifiers: ClinVar variation 865969 (VCV000865969.2), dbSNP rs2067136586, ClinGen allele CA916083879.
Genomic context (GRCh38, chrX:38,286,045, plus strand): 5'-CCCTCTCCTTCTTCCTCCCCTTCTTCTTCCCCTTCCTCCTCTTCCCCCTCCCCTTCTCCT[TCCTCCTCTTCCCCCTCC>T]CCTTCTCCTTCCTCCCCTTCCCCTTCTCCTTCCTCTTCCCCCTCCCCTTCTCCTTCCTCC-3'